The following is an entry in ClinVar:

ClinVar aggregate classification (germline): Benign/Likely benign. Review status: criteria provided, multiple submitters, no conflicts (2 of 4 stars). 7 submissions from 7 submitters: Benign (3); Likely benign (3). 1 of the submissions does not count toward it. Last evaluated 2026-01-31.

Conditions:
Galactosylceramide beta-galactosidase deficiency. Also called: Leukodystrophy, Globoid Cell; Krabbe Disease; GALACTOCEREBROSIDASE DEFICIENCY; GALC DEFICIENCY; GLOBOID CELL LEUKOENCEPHALOPATHY. Identifiers: Orphanet 487, MedGen C0023521, MONDO:0009499, OMIM 245200.

Allele frequency attached by ClinVar (database versions not stated): 1000 Genomes Project 30x 0.00562; 1000 Genomes Project 0.00579; ESP Exome Variant Server 0.00605; gnomAD 0.00618 and 0.00658; TOPMed 0.00662.
gnomAD v4.1: 1,847 of 1,607,910 alleles (0.11%); highest among the groups gnomAD compares: African/African-American, 2.2%; 17 homozygotes.

Submissions (7):

Labcorp Genetics (formerly Invitae), Labcorp
Classification: Benign for Galactosylceramide beta-galactosidase deficiency. Last evaluated: 2026-01-31. Review status: criteria provided, single submitter. Criteria: Invitae Variant Classification Sherloc (09022015). Collection method: clinical testing. Allele origin: germline.

Blueprint Genetics
Classification: Likely benign. Last evaluated: 2024-10-30. Review status: criteria provided, single submitter. Criteria: ACMG Guidelines, 2015. Collection method: clinical testing. Allele origin: germline.

Mayo Clinic Laboratories, Mayo Clinic
Classification: Benign. Last evaluated: 2023-06-05. Review status: criteria provided, single submitter. Criteria: ACMG Guidelines, 2015. Collection method: clinical testing. Allele origin: germline. Observed: 6 variant alleles.

GeneDx
Classification: Likely benign. Last evaluated: 2020-08-31. Review status: criteria provided, single submitter. Criteria: GeneDx Variant Classification Process June 2021. Collection method: clinical testing. Allele origin: germline. Affected: yes.

Illumina Laboratory Services, Illumina
Classification: Benign for Galactosylceramide beta-galactosidase deficiency. Last evaluated: 2017-04-27. Review status: criteria provided, single submitter. Criteria: ICSL Variant Classification Criteria 13 December 2019. Collection method: clinical testing. Allele origin: germline.
Comment: This variant was observed as part of a predisposition screen in an ostensibly healthy population. A literature search was performed for the gene, cDNA change, and amino acid change (where applicable). No publications were found based on this search. Allele frequency data from public databases was too high to be consistent with this variant causing disease. Therefore, this variant is classified as benign.

Breakthrough Genomics
Classification: Likely benign. Review status: criteria provided, single submitter. Criteria: ACMG Guidelines, 2015. Collection method: not provided. Allele origin: germline. Inheritance: Autosomal recessive inheritance. Affected: yes.

Natera, Inc.
Classification: Likely benign for Galactosylceramide beta-galactosidase deficiency. Last evaluated: 2019-12-04. Review status: no assertion criteria provided. Collection method: clinical testing. Allele origin: germline. Not counted in ClinVar's aggregate classification.

NM_000153.4(GALC):c.1788C>T (p.Phe596=)

Gene: GALC (galactosylceramidase; minus strand). Cytogenetic location: 14q31.3.
Variant type: single nucleotide variant.
Coding change: c.1788C>T on transcript NM_000153.4 (MANE Select); coding-DNA position 1788, C replaced by T.
Protein change: p.Phe596=; no amino-acid change (phenylalanine 596 retained).
Molecular consequence: synonymous variant.
Genome position (GRCh38, 1-based): chr14:87,941,441, G>A on the plus strand (C>T on the coding strand, the complement: GALC is on the minus strand). VCF-style: chr14-87941441-G-A. GRCh37 (hg19) VCF-style: chr14-88407785-G-A.
Other names: p.Phe596=; c.1719C>T, p.Phe573= (NM_001201401.2); c.1710C>T, p.Phe570= (NM_001201402.2).
Identifiers: ClinVar variation 456715 (VCV000456715.24), dbSNP rs115018138, ClinGen allele CA7296923.